The following is an entry in ClinVar:

ClinVar aggregate classification (germline): Uncertain significance (1 of 4 stars; one submission).

Conditions:
Gorlin syndrome. Also called: Basal cell nevus syndrome; Nevoid Basal Cell Carcinoma Syndrome. Identifiers: Orphanet 377, MedGen C0004779, MONDO:0007187.

Submission:

Labcorp Genetics (formerly Invitae), Labcorp
Classification: Uncertain significance for Gorlin syndrome. Last evaluated: 2023-09-08. Review status: criteria provided, single submitter. Criteria: Invitae Variant Classification Sherloc (09022015). Collection method: clinical testing. Allele origin: germline.
Comment: This variant has not been reported in the literature in individuals affected with PTCH1-related conditions. This variant is not present in population databases (gnomAD no frequency). This sequence change replaces serine, which is neutral and polar, with phenylalanine, which is neutral and non-polar, at codon 1446 of the PTCH1 protein (p.Ser1446Phe). ClinVar contains an entry for this variant (Variation ID: 1363991). Advanced modeling of protein sequence and biophysical properties (such as structural, functional, and spatial information, amino acid conservation, physicochemical variation, residue mobility, and thermodynamic stability) performed at Invitae indicates that this missense variant is not expected to disrupt PTCH1 protein function. In summary, the available evidence is currently insufficient to determine the role of this variant in disease. Therefore, it has been classified as a Variant of Uncertain Significance.

NM_000264.5(PTCH1):c.4337C>T (p.Ser1446Phe)

Gene: PTCH1 (patched 1; minus strand). Cytogenetic location: 9q22.32.
Variant type: single nucleotide variant.
Coding change: c.4337C>T on transcript NM_000264.5 (MANE Select); coding-DNA position 4337, C replaced by T.
Protein change: p.Ser1446Phe; replaces serine 1446 with phenylalanine.
Molecular consequence: missense variant. On other transcripts: non-coding transcript variant (1).
Genome position (GRCh38, 1-based): chr9:95,446,919, G>A on the plus strand (C>T on the coding strand, the complement: PTCH1 is on the minus strand). VCF-style: chr9-95446919-G-A. GRCh37 (hg19) VCF-style: chr9-98209201-G-A.
Other names: c.4139C>T, p.Ser1380Phe (NM_001083602.3); c.4334C>T, p.Ser1445Phe (NM_001083603.3); c.3884C>T, p.Ser1295Phe (NM_001083604.3, NM_001083605.3, NM_001083606.3 and 1 more transcripts); c.4181C>T, p.Ser1394Phe (NM_001354918.2); short protein forms S1446F, S1394F, S1445F, S1380F, S1295F.
Identifiers: ClinVar variation 1363991 (VCV001363991.8), dbSNP rs2136570475, ClinGen allele CA374109770.